The following is an entry in ClinVar:

NM_004727.3(SLC24A1):c.2045T>C (p.Leu682Pro)

Gene: SLC24A1 (solute carrier family 24 member 1; plus strand). Cytogenetic location: 15q22.31.
Variant type: single nucleotide variant.
Coding change: c.2045T>C on transcript NM_004727.3 (MANE Select); coding-DNA position 2045, T replaced by C.
Protein change: p.Leu682Pro; replaces leucine 682 with proline.
Molecular consequence: missense variant.
Genome position (GRCh38, 1-based): chr15:65,639,695, T>C. VCF-style: chr15-65639695-T-C. GRCh37 (hg19) VCF-style: chr15-65932033-T-C.
Other names: c.2045T>C, p.Leu682Pro (NM_001301031.1); c.1991T>C, p.Leu664Pro (NM_001301032.1, NM_001301033.2); short protein forms L664P, L682P.
Identifiers: ClinVar variation 1491263 (VCV001491263.6), dbSNP rs2141605959, ClinGen allele CA392920142.

ClinVar aggregate classification (germline): Uncertain significance (1 of 4 stars; one submission).

Submission:

Labcorp Genetics (formerly Invitae), Labcorp
Classification: Uncertain significance. Last evaluated: 2025-01-13. Review status: criteria provided, single submitter. Criteria: Invitae Variant Classification Sherloc (09022015). Collection method: clinical testing. Allele origin: germline.
Comment: This sequence change replaces leucine, which is neutral and non-polar, with proline, which is neutral and non-polar, at codon 682 of the SLC24A1 protein (p.Leu682Pro). This variant is not present in population databases (gnomAD no frequency). This variant has not been reported in the literature in individuals affected with SLC24A1-related conditions. ClinVar contains an entry for this variant (Variation ID: 1491263). An algorithm developed to predict the effect of missense changes on protein structure and function (PolyPhen-2) suggests that this variant is likely to be tolerated. In summary, the available evidence is currently insufficient to determine the role of this variant in disease. Therefore, it has been classified as a Variant of Uncertain Significance.